The following is an entry in ClinVar:

NM_000030.3(AGXT):c.214A>C (p.Asn72His)

Gene: AGXT (alanine--glyoxylate aminotransferase; plus strand). Cytogenetic location: 2q37.3.
Variant type: single nucleotide variant.
Coding change: c.214A>C on transcript NM_000030.3 (MANE Select); coding-DNA position 214, A replaced by C.
Protein change: p.Asn72His; replaces asparagine 72 with histidine.
Molecular consequence: missense variant.
Genome position (GRCh38, 1-based): chr2:240,869,218, A>C. VCF-style: chr2-240869218-A-C. GRCh37 (hg19) VCF-style: chr2-241808635-A-C.
Other names: short protein forms N72H.
Identifiers: ClinVar variation 898217 (VCV000898217.11), dbSNP rs754637713, ClinGen allele CA2209035.

ClinVar aggregate classification (germline): Conflicting classifications of pathogenicity. Review status: criteria provided, conflicting classifications (1 of 4 stars). 4 submissions from 4 submitters: Likely pathogenic (1); Uncertain significance (3). Last evaluated 2026-01-18.

Conditions:
Primary hyperoxaluria, type I (HP1). Also called: HEPATIC AGT DEFICIENCY; Primary hyperoxaluria type 1; GLYCOLIC ACIDURIA; OXALOSIS I. Identifiers: Orphanet 416, Orphanet 93598, MedGen C0268164, MONDO:0009823, OMIM 259900. Disease mechanism: loss of function.

Allele frequency attached by ClinVar (database versions not stated): ExAC 0.00003; gnomAD exomes 0.00003 and 0.00004; TOPMed 0.00003; gnomAD 0.00005 and 0.00006.
gnomAD v4.1: 58 of 1,613,758 alleles (0.0036%); highest among the groups gnomAD compares: Non-Finnish European, 0.00076%; no homozygotes.

Submissions (4):

Labcorp Genetics (formerly Invitae), Labcorp
Classification: Likely pathogenic. Last evaluated: 2026-01-18. Review status: criteria provided, single submitter. Criteria: Invitae Variant Classification Sherloc (09022015). Collection method: clinical testing. Allele origin: germline.
Comment: This sequence change replaces asparagine, which is neutral and polar, with histidine, which is basic and polar, at codon 72 of the AGXT protein (p.Asn72His). This variant is present in population databases (rs754637713, gnomAD 0.1%). This variant has not been reported in the literature in individuals affected with AGXT-related conditions. ClinVar contains an entry for this variant (Variation ID: 898217). Invitae Evidence Modeling of protein sequence and biophysical properties (such as structural, functional, and spatial information, amino acid conservation, physicochemical variation, residue mobility, and thermodynamic stability) indicates that this missense variant is expected to disrupt AGXT protein function with a positive predictive value of 80%. This variant disrupts the p.Asn72 amino acid residue in AGXT. Other variant(s) that disrupt this residue have been determined to be pathogenic (PMID: 27644547, 31215412). This suggests that this residue is clinically significant, and that variants that disrupt this residue are likely to be disease-causing. In summary, the currently available evidence indicates that the variant is pathogenic, but additional data are needed to prove that conclusively. Therefore, this variant has been classified as Likely Pathogenic.

Myriad Genetics, Inc.
Classification: Uncertain significance for Primary hyperoxaluria, type I. Last evaluated: 2025-11-26. Review status: criteria provided, single submitter. Criteria: Myriad Autosomal Dominant, Autosomal Recessive and X-Linked Classification Criteria (2023). Collection method: clinical testing. Allele origin: unknown.
Comment: NM_000030.2(AGXT):c.214A>C(N72H) is a missense variant classified as a variant of uncertain significance in the context of primary hyperoxaluria type 1. N72H has not been observed in cases with relevant disease. Relevant functional assessments of this variant are not available in the literature. N72H has been observed in referenced population frequency databases. In summary, there is insufficient evidence to classify NM_000030.2(AGXT):c.214A>C(N72H) as pathogenic or benign. Please note: this variant was assessed in the context of healthy population screening.

Fulgent Genetics
Classification: Uncertain significance for Primary hyperoxaluria, type I. Last evaluated: 2024-06-12. Review status: criteria provided, single submitter. Criteria: ACMG Guidelines, 2015. Collection method: clinical testing. Allele origin: germline.

Illumina Laboratory Services, Illumina
Classification: Uncertain significance for Primary hyperoxaluria, type I. Last evaluated: 2018-01-13. Review status: criteria provided, single submitter. Criteria: ICSL Variant Classification Criteria 13 December 2019. Collection method: clinical testing. Allele origin: germline.

Literature cited by the submitters: PubMed 27644547 (cited by Labcorp Genetics (formerly Invitae), Labcorp); PubMed 31215412 (cited by Labcorp Genetics (formerly Invitae), Labcorp).